The following is an entry in ClinVar:

ClinVar aggregate classification (germline): Uncertain significance (1 of 4 stars; one submission).

Conditions:
Retinitis pigmentosa 66 (RP66). Identifiers: Orphanet 791, MedGen C3715216, MONDO:0014093, OMIM 615233.

Allele frequency attached by ClinVar (database versions not stated): gnomAD 0.00001; 1000 Genomes Project 30x 0.00016; TOPMed 0.00005.

Submission:

Labcorp Genetics (formerly Invitae), Labcorp
Classification: Uncertain significance. Last evaluated: 2023-04-24. Review status: criteria provided, single submitter. Criteria: Invitae Variant Classification Sherloc (09022015). Collection method: clinical testing. Allele origin: germline.
Comment: This variant is present in population databases (rs202011777, gnomAD 0.04%). In summary, the available evidence is currently insufficient to determine the role of this variant in disease. Therefore, it has been classified as a Variant of Uncertain Significance. An algorithm developed to predict the effect of missense changes on protein structure and function (PolyPhen-2) suggests that this variant¬† is likely to be tolerated. ClinVar contains an entry for this variant (Variation ID: 1448809). This missense change has been observed in individual(s) with retinitis pigmentosa (PMID: 28512305). This sequence change replaces lysine, which is basic and polar, with glutamic acid, which is acidic and polar, at codon 33 of the RBP3 protein (p.Lys33Glu).

Literature cited by the submitters: PubMed 28512305 (cited by Labcorp Genetics (formerly Invitae), Labcorp).

NM_002900.3(RBP3):c.97A>G (p.Lys33Glu)

Gene: RBP3 (retinol binding protein 3; plus strand). Cytogenetic location: 10q11.22.
Variant type: single nucleotide variant.
Coding change: c.97A>G on transcript NM_002900.3 (MANE Select); coding-DNA position 97, A replaced by G.
Protein change: p.Lys33Glu; replaces lysine 33 with glutamic acid.
Molecular consequence: missense variant.
Genome position (GRCh38, 1-based): chr10:47,348,581, A>G. VCF-style: chr10-47348581-A-G. GRCh37 (hg19) VCF-style: chr10-48390781-T-C.
Other names: c.97A>G (NM_002900.2); short protein forms K33E.
Identifiers: ClinVar variation 1448809 (VCV001448809.5), dbSNP rs202011777, ClinGen allele CA5487867.